The following is an entry in ClinVar:

ClinVar aggregate classification (germline): Benign. Review status: criteria provided, multiple submitters, no conflicts (2 of 4 stars). 3 submissions from 3 submitters: Benign (2). 1 of the submissions does not count toward it. Last evaluated 2019-12-31.

Conditions:
MMP19-related disorder. Also called: MMP19-related condition.

Allele frequency attached by ClinVar (database versions not stated): 1000 Genomes Project 0.00679; 1000 Genomes Project 30x 0.00718; ExAC 0.00779; ESP Exome Variant Server 0.00800; gnomAD exomes 0.00883 and 0.01308; gnomAD 0.01014 and 0.01051; TOPMed 0.01200.
gnomAD v4.1: 20,647 of 1,612,574 alleles (1.3%); highest among the groups gnomAD compares: Admixed American, 1.9%; 183 homozygotes.

Submissions (3):

Labcorp Genetics (formerly Invitae), Labcorp
Classification: Benign. Last evaluated: 2019-12-31. Review status: criteria provided, single submitter. Criteria: Invitae Variant Classification Sherloc (09022015). Collection method: clinical testing. Allele origin: germline.

Breakthrough Genomics
Classification: Benign. Review status: criteria provided, single submitter. Criteria: ACMG Guidelines, 2015. Collection method: not provided. Allele origin: germline. Inheritance: Autosomal dominant inheritance. Affected: yes.

PreventionGenetics, part of Exact Sciences
Classification: Benign for MMP19-related condition. Last evaluated: 2019-09-04. Review status: no assertion criteria provided. Collection method: clinical testing. Allele origin: germline. Not counted in ClinVar's aggregate classification.
Comment: This variant is classified as benign based on ACMG/AMP sequence variant interpretation guidelines (Richards et al. 2015 PMID: 25741868, with internal and published modifications).

NM_002429.6(MMP19):c.733C>T (p.Pro245Ser)

Gene: MMP19 (matrix metallopeptidase 19; minus strand). Cytogenetic location: 12q13.2.
Variant type: single nucleotide variant.
Coding change: c.733C>T on transcript NM_002429.6 (MANE Select); coding-DNA position 733, C replaced by T.
Protein change: p.Pro245Ser; replaces proline 245 with serine.
Molecular consequence: missense variant. On other transcripts: non-coding transcript variant (1), intron variant (1).
Genome position (GRCh38, 1-based): chr12:55,839,529, G>A on the plus strand (C>T on the coding strand, the complement: MMP19 is on the minus strand). VCF-style: chr12-55839529-G-A. GRCh37 (hg19) VCF-style: chr12-56233313-G-A.
Other names: c.521-795C>T (NM_001272101.2); short protein forms P245S.
Identifiers: ClinVar variation 773547 (VCV000773547.7), dbSNP rs1056784, ClinGen allele CA6618646.